The following is an entry in ClinVar:

ClinVar aggregate classification (germline): Likely benign. Review status: criteria provided, multiple submitters, no conflicts (2 of 4 stars). 4 submissions from 4 submitters: Likely benign (4). Last evaluated 2025-05-19.

Conditions:
Pseudohypoaldosteronism type 2B (PHA2B). Also called: Pseudohypoaldosteronism Type IIB. Identifiers: Orphanet 757, Orphanet 88939, MedGen C1840390, MONDO:0013777, OMIM 614491.

Allele frequency attached by ClinVar (database versions not stated): gnomAD 0.00003 and 0.00004; gnomAD exomes 0.00003 and 0.00004; ExAC 0.00004; TOPMed 0.00004.
gnomAD v4.1: 63 of 1,613,462 alleles (0.0039%); highest among the groups gnomAD compares: Non-Finnish European, 0.0053%; no homozygotes.

Submissions (4):

Labcorp Genetics (formerly Invitae), Labcorp
Classification: Likely benign. Last evaluated: 2025-05-19. Review status: criteria provided, single submitter. Criteria: Invitae Variant Classification Sherloc (09022015). Collection method: clinical testing. Allele origin: germline.

Fulgent Genetics
Classification: Likely benign for Pseudohypoaldosteronism type 2B. Last evaluated: 2021-07-26. Review status: criteria provided, single submitter. Criteria: ACMG Guidelines, 2015. Collection method: clinical testing. Allele origin: unknown.

Illumina Laboratory Services, Illumina
Classification: Likely benign for Pseudohypoaldosteronism type 2B. Last evaluated: 2018-01-13. Review status: criteria provided, single submitter. Criteria: ICSL Variant Classification Criteria 13 December 2019. Collection method: clinical testing. Allele origin: germline.
Comment: This variant was observed in the ICSL laboratory as part of a predisposition screen in an ostensibly healthy population. It had not been previously curated by ICSL or reported in the Human Gene Mutation Database (HGMD: prior to June 1st, 2018), and was therefore a candidate for classification through an automated scoring system. Utilizing variant allele frequency, disease prevalence and penetrance estimates, and inheritance mode, an automated score was calculated to assess if this variant is too frequent to cause the disease. Based on the score and internal cut-off values, a variant classified as likely benign is not then subjected to further curation. The score for this variant resulted in a classification of likely benign for this disease.

Breakthrough Genomics
Classification: Likely benign. Review status: criteria provided, single submitter. Criteria: ACMG Guidelines, 2015. Collection method: not provided. Allele origin: germline. Inheritance: Autosomal dominant inheritance. Affected: yes.

NM_032387.5(WNK4):c.924C>T (p.Val308=)

Genes: WNK4 (WNK lysine deficient protein kinase 4; plus strand), LOC126862568 (CDK7 strongly-dependent group 2 enhancer GRCh37_chr17:40934948-40936147; plus strand). Cytogenetic location: 17q21.2.
Variant type: single nucleotide variant.
Coding change: c.924C>T on transcript NM_032387.5 (MANE Select); coding-DNA position 924, C replaced by T.
Protein change: p.Val308=; no amino-acid change (valine 308 retained).
Molecular consequence: synonymous variant. On other transcripts: missense variant (1).
Genome position (GRCh38, 1-based): chr17:42,784,069, C>T. VCF-style: chr17-42784069-C-T. GRCh37 (hg19) VCF-style: chr17-40936087-C-T.
Other names: c.5C>T, p.Ser2Phe (NM_001321299.2); short protein forms S2F.
Identifiers: ClinVar variation 891763 (VCV000891763.10), dbSNP rs779031905, ClinGen allele CA8583831.